The following is an entry in ClinVar:

NM_002460.4(IRF4):c.244C>T (p.Arg82Ter)

Gene: IRF4 (interferon regulatory factor 4; plus strand). Cytogenetic location: 6p25.3.
Variant type: single nucleotide variant.
Coding change: c.244C>T on transcript NM_002460.4 (MANE Select); coding-DNA position 244, C replaced by T.
Protein change: p.Arg82Ter; replaces arginine 82 with a stop codon.
Molecular consequence: nonsense. On other transcripts: non-coding transcript variant (1).
Genome position (GRCh38, 1-based): chr6:394,848, C>T. VCF-style: chr6-394848-C-T. GRCh37 (hg19) VCF-style: chr6-394848-C-T.
Other names: c.244C>T, p.Arg82Ter (NM_001195286.2); short protein forms R82*.
Identifiers: ClinVar variation 2863460 (VCV002863460.3), dbSNP rs1302327519, ClinGen allele CA362546788.

ClinVar aggregate classification (germline): Uncertain significance (1 of 4 stars; one submission).

Allele frequency attached by ClinVar (database versions not stated): gnomAD exomes below 0.00001.
gnomAD v4.1: 2 of 1,614,084 alleles (0.00012%); highest among the groups gnomAD compares: African/African-American, 0.0013%; no homozygotes.

Submission:

Labcorp Genetics (formerly Invitae), Labcorp
Classification: Uncertain significance. Last evaluated: 2023-09-22. Review status: criteria provided, single submitter. Criteria: Invitae Variant Classification Sherloc (09022015). Collection method: clinical testing. Allele origin: germline.
Comment: This sequence change creates a premature translational stop signal (p.Arg82*) in the IRF4 gene. It is expected to result in an absent or disrupted protein product. However, the current clinical and genetic evidence is not sufficient to establish whether loss-of-function variants in IRF4 cause disease. This variant is present in population databases (no rsID available, gnomAD 0.007%). This variant has not been reported in the literature in individuals affected with IRF4-related conditions. Experimental studies and prediction algorithms are not available or were not evaluated, and the functional significance of this variant is currently unknown. In summary, the available evidence is currently insufficient to determine the role of this variant in disease. Therefore, it has been classified as a Variant of Uncertain Significance.